The following is an entry in ClinVar:

ClinVar aggregate classification (germline): Uncertain significance. Review status: criteria provided, multiple submitters, no conflicts (2 of 4 stars). 2 submissions from 2 submitters: Uncertain significance (2). Last evaluated 2025-12-15.

Conditions:
Familial adenomatous polyposis 1 (FAP1). Also called: POLYPOSIS, ADENOMATOUS INTESTINAL; FAMILIAL ADENOMATOUS POLYPOSIS 1, ATTENUATED. Identifiers: MedGen C2713442, MONDO:0021056, OMIM 175100. Disease mechanism: loss of function.
Hereditary cancer-predisposing syndrome. Also called: Hereditary neoplastic syndrome; Tumor predisposition; Neoplastic Syndromes, Hereditary; Hereditary Cancer Syndrome. Identifiers: Orphanet 140162, MedGen C0027672, MeSH D009386, MONDO:0015356.

Submissions (2):

Ambry Genetics
Classification: Uncertain significance for Hereditary cancer-predisposing syndrome. Last evaluated: 2025-12-15. Review status: criteria provided, single submitter. Criteria: Ambry Variant Classification Scheme 2023. Collection method: clinical testing. Allele origin: germline.
Comment: The p.E991V variant (also known as c.2972A>T), located in coding exon 15 of the APC gene, results from an A to T substitution at nucleotide position 2972. The glutamic acid at codon 991 is replaced by valine, an amino acid with dissimilar properties. This amino acid position is conserved. In addition, in silico predictors for this gene do not accurately predict pathogenicity. Based on the available evidence, the clinical significance of this variant remains unclear.

Labcorp Genetics (formerly Invitae), Labcorp
Classification: Uncertain significance for Familial adenomatous polyposis 1. Last evaluated: 2020-12-31. Review status: criteria provided, single submitter. Criteria: Invitae Variant Classification Sherloc (09022015). Collection method: clinical testing. Allele origin: germline.
Comment: In summary, the available evidence is currently insufficient to determine the role of this variant in disease. Therefore, it has been classified as a Variant of Uncertain Significance. Algorithms developed to predict the effect of sequence changes on RNA splicing suggest that this variant may create or strengthen a splice site, but this prediction has not been confirmed by published transcriptional studies. Algorithms developed to predict the effect of missense changes on protein structure and function (SIFT, PolyPhen-2, Align-GVGD) all suggest that this variant is likely to be disruptive, but these predictions have not been confirmed by published functional studies and their clinical significance is uncertain. This variant has not been reported in the literature in individuals with APC-related conditions. This variant is not present in population databases (ExAC no frequency). This sequence change replaces glutamic acid with valine at codon 991 of the APC protein (p.Glu991Val). The glutamic acid residue is highly conserved and there is a moderate physicochemical difference between glutamic acid and valine.

NM_000038.6(APC):c.2972A>T (p.Glu991Val)

Gene: APC (APC regulator of Wnt signaling pathway; plus strand). Cytogenetic location: 5q22.2.
Variant type: single nucleotide variant.
Coding change: c.2972A>T on transcript NM_000038.6 (MANE Select); coding-DNA position 2972, A replaced by T.
Protein change: p.Glu991Val; replaces glutamic acid 991 with valine.
Molecular consequence: missense variant.
Genome position (GRCh38, 1-based): chr5:112,838,566, A>T. VCF-style: chr5-112838566-A-T. GRCh37 (hg19) VCF-style: chr5-112174263-A-T.
Other names: c.2972A>T, p.Glu991Val (NM_001127510.3, NM_001354895.2); c.2918A>T, p.Glu973Val (NM_001127511.3); c.3026A>T, p.Glu1009Val (NM_001354896.2); c.3002A>T, p.Glu1001Val (NM_001354897.2); c.2897A>T, p.Glu966Val (NM_001354898.2); c.2888A>T, p.Glu963Val (NM_001354899.2); c.2849A>T, p.Glu950Val (NM_001354900.2); c.2795A>T, p.Glu932Val (NM_001354901.2); and 6 more; short protein forms E831V, E890V, E932V, E973V, E991V, E1001V, E1009V, E708V.
Identifiers: ClinVar variation 1361770 (VCV001361770.9), dbSNP rs2149881381, ClinGen allele CA16027828.